The following is an entry in ClinVar:

ClinVar aggregate classification (germline): Uncertain significance (1 of 4 stars; one submission).

Conditions:
Hereditary cancer-predisposing syndrome. Also called: Neoplastic Syndromes, Hereditary; Tumor predisposition; Hereditary Cancer Syndrome; Hereditary neoplastic syndrome. Identifiers: Orphanet 140162, MedGen C0027672, MeSH D009386, MONDO:0015356.

Submission:

Ambry Genetics
Classification: Uncertain significance for Hereditary cancer-predisposing syndrome. Last evaluated: 2025-11-02. Review status: criteria provided, single submitter. Criteria: Ambry Variant Classification Scheme 2023. Collection method: clinical testing. Allele origin: germline.
Comment: The p.D854G variant (also known as c.2561A>G), located in coding exon 16 of the CDH1 gene, results from an A to G substitution at nucleotide position 2561. The aspartic acid at codon 854 is replaced by glycine, an amino acid with similar properties. This amino acid position is conserved. In addition, the in silico prediction for this alteration is inconclusive. Based on the available evidence, the clinical significance of this variant remains unclear.

NM_004360.5(CDH1):c.2561A>G (p.Asp854Gly)

Gene: CDH1 (cadherin 1; plus strand). Cytogenetic location: 16q22.1.
Variant type: single nucleotide variant.
Coding change: c.2561A>G on transcript NM_004360.5 (MANE Select); coding-DNA position 2561, A replaced by G.
Protein change: p.Asp854Gly; replaces aspartic acid 854 with glycine.
Molecular consequence: missense variant.
Genome position (GRCh38, 1-based): chr16:68,833,411, A>G. VCF-style: chr16-68833411-A-G. GRCh37 (hg19) VCF-style: chr16-68867314-A-G.
Other names: c.2378A>G, p.Asp793Gly (NM_001317184.2); c.1013A>G, p.Asp338Gly (NM_001317185.2); c.596A>G, p.Asp199Gly (NM_001317186.2); short protein forms D793G, D199G, D338G, D854G.
Identifiers: ClinVar variation 4632650 (VCV004632650.1).